The following is an entry in ClinVar:

NM_001018113.3(FANCB):c.2201TCA[1] (p.Ile735del)

Gene: FANCB (FA complementation group B; minus strand). Cytogenetic location: Xp22.2.
Variant type: Microsatellite.
Coding change: c.2201TCA[1] on transcript NM_001018113.3 (MANE Select); one copy of the 3-base unit TCA starting at c.2201; the reference has two copies in a row; one copy, 3 bases deleted.
Protein change: p.Ile735del; deletes isoleucine 735.
Molecular consequence: inframe deletion.
Genome position (GRCh38, 1-based): chrX:14,843,941-14,843,943, TGA deleted on the plus strand (TCA on the coding strand, the reverse complement: FANCB is on the minus strand); deleting any 3 consecutive bases within chrX:14,843,941-14,843,946 gives the same sequence; the position shown is the placement nearest the transcript's 3' end. VCF-style (leftmost placement, unchanged base first): chrX-14843940-CTGA-C. GRCh37 (hg19) VCF-style: chrX-14862062-CTGA-C.
Other names: c.2201TCA[1], p.Ile735del (NM_001324162.2, NM_001410764.1, NM_152633.4); short protein forms I735del.
Identifiers: ClinVar variation 2717818 (VCV002717818.3), dbSNP rs2518947500, ClinGen allele CA2697552856.

ClinVar aggregate classification (germline): Uncertain significance (1 of 4 stars; one submission).

Conditions:
Fanconi anemia (FA). Also called: Fanconi's anemia. Identifiers: Orphanet 84, MedGen C0015625, MeSH D005199, MONDO:0019391.

Submission:

Labcorp Genetics (formerly Invitae), Labcorp
Classification: Uncertain significance for Fanconi anemia. Last evaluated: 2025-04-19. Review status: criteria provided, single submitter. Criteria: Invitae Variant Classification Sherloc (09022015). Collection method: clinical testing. Allele origin: germline.
Comment: This variant, c.2204_2206del, results in the deletion of 1 amino acid(s) of the FANCB protein (p.Ile735del), but otherwise preserves the integrity of the reading frame. This variant is not present in population databases (gnomAD no frequency). This variant has not been reported in the literature in individuals affected with FANCB-related conditions. Experimental studies and prediction algorithms are not available or were not evaluated, and the functional significance of this variant is currently unknown. In summary, the available evidence is currently insufficient to determine the role of this variant in disease. Therefore, it has been classified as a Variant of Uncertain Significance.